The following is an entry in ClinVar:

NM_020937.4(FANCM):c.1808C>A (p.Ser603Tyr)

Gene: FANCM (FA complementation group M; plus strand). Cytogenetic location: 14q21.2.
Variant type: single nucleotide variant.
Coding change: c.1808C>A on transcript NM_020937.4 (MANE Select); coding-DNA position 1808, C replaced by A.
Protein change: p.Ser603Tyr; replaces serine 603 with tyrosine.
Molecular consequence: missense variant.
Genome position (GRCh38, 1-based): chr14:45,166,969, C>A. VCF-style: chr14-45166969-C-A. GRCh37 (hg19) VCF-style: chr14-45636172-C-A.
Other names: c.1730C>A, p.Ser577Tyr (NM_001308133.2); c.1808C>A, p.Ser603Tyr (NM_001308134.2); short protein forms S577Y, S603Y.
Identifiers: ClinVar variation 945491 (VCV000945491.10), dbSNP rs1888020761, ClinGen allele CA389594814.

ClinVar aggregate classification (germline): Uncertain significance. Review status: criteria provided, multiple submitters, no conflicts (2 of 4 stars). 2 submissions from 2 submitters: Uncertain significance (2). Last evaluated 2025-01-06.

Conditions:
Fanconi anemia (FA). Also called: Fanconi's anemia. Identifiers: Orphanet 84, MedGen C0015625, MeSH D005199, MONDO:0019391.
Inborn genetic diseases. Identifiers: MedGen C0950123, MeSH D030342.

Allele frequency attached by ClinVar (database versions not stated): gnomAD exomes below 0.00001.

Submissions (2):

Ambry Genetics
Classification: Uncertain significance for Inborn genetic diseases. Last evaluated: 2025-01-06. Review status: criteria provided, single submitter. Criteria: Ambry Variant Classification Scheme 2023. Collection method: clinical testing. Allele origin: germline.
Comment: The p.S603Y variant (also known as c.1808C>A), located in coding exon 11 of the FANCM gene, results from a C to A substitution at nucleotide position 1808. The serine at codon 603 is replaced by tyrosine, an amino acid with dissimilar properties. This amino acid position is conserved. In addition, this alteration is predicted to be tolerated by in silico analysis. Based on the available evidence, the clinical significance of this variant remains unclear.

Labcorp Genetics (formerly Invitae), Labcorp
Classification: Uncertain significance for Fanconi anemia. Last evaluated: 2019-04-04. Review status: criteria provided, single submitter. Criteria: Invitae Variant Classification Sherloc (09022015). Collection method: clinical testing. Allele origin: germline.
Comment: This variant has not been reported in the literature in individuals with FANCM-related conditions. In summary, the available evidence is currently insufficient to determine the role of this variant in disease. Therefore, it has been classified as a Variant of Uncertain Significance. Algorithms developed to predict the effect of missense changes on protein structure and function are either unavailable or do not agree on the potential impact of this missense change (SIFT: "Deleterious"; PolyPhen-2: "Benign"; Align-GVGD: "Class C0"). This variant is not present in population databases (ExAC no frequency). This sequence change replaces serine with tyrosine at codon 603 of the FANCM protein (p.Ser603Tyr). The serine residue is moderately conserved and there is a large physicochemical difference between serine and tyrosine.